The following is an entry in ClinVar:

ClinVar aggregate classification (germline): Uncertain significance. Review status: criteria provided, multiple submitters, no conflicts (2 of 4 stars). 3 submissions from 3 submitters: Uncertain significance (3). Last evaluated 2025-12-13.

Conditions:
Cardiovascular phenotype. Identifiers: MedGen CN230736.
Brugada syndrome. Also called: Sudden unexplained nocturnal death syndrome; Sudden Unexplained Death Syndrome; Sudden Unexplained Nocturnal Death Syndrome (SUNDS); Sudden unexpected nocturnal death syndrome. Identifiers: Orphanet 130, MedGen C1142166, MONDO:0015263.

Allele frequency attached by ClinVar (database versions not stated): gnomAD exomes 0.00007 and 0.00006; 1000 Genomes Project 0.00020; TOPMed 0.00006; 1000 Genomes Project 30x 0.00016; ExAC 0.00006; gnomAD 0.00008.
gnomAD v4.1: 116 of 1,588,540 alleles (0.0073%); highest among the groups gnomAD compares: Non-Finnish European, 0.0079%; no homozygotes.

Submissions (3):

Labcorp Genetics (formerly Invitae), Labcorp
Classification: Uncertain significance for Brugada syndrome. Last evaluated: 2025-12-13. Review status: criteria provided, single submitter. Criteria: Invitae Variant Classification Sherloc (09022015). Collection method: clinical testing. Allele origin: germline.
Comment: This sequence change replaces serine, which is neutral and polar, with leucine, which is neutral and non-polar, at codon 778 of the CACNA2D1 protein (p.Ser778Leu). This variant is present in population databases (rs202108848, gnomAD 0.01%). This missense change has been observed in individual(s) with clinical features of CACNA2D1-related conditions (internal data). ClinVar contains an entry for this variant (Variation ID: 264556). An algorithm developed to predict the effect of missense changes on protein structure and function (PolyPhen-2) suggests that this variant is likely to be tolerated. In summary, the available evidence is currently insufficient to determine the role of this variant in disease. Therefore, it has been classified as a Variant of Uncertain Significance.

GeneDx
Classification: Uncertain significance. Last evaluated: 2025-04-09. Review status: criteria provided, single submitter. Criteria: GeneDx Variant Classification Process June 2021. Collection method: clinical testing. Allele origin: germline. Affected: yes.
Comment: Has not been previously published as pathogenic or benign to our knowledge; In silico analysis indicates that this missense variant does not alter protein structure/function; Variants in candidate genes are classified as variants of uncertain significance in accordance with ACMG guidelines (PMID: 25741868)

Ambry Genetics
Classification: Uncertain significance for Cardiovascular phenotype. Last evaluated: 2024-08-19. Review status: criteria provided, single submitter. Criteria: Ambry Variant Classification Scheme 2023. Collection method: clinical testing. Allele origin: germline.

NM_000722.4(CACNA2D1):c.2333C>T (p.Ser778Leu)

Gene: CACNA2D1 (calcium voltage-gated channel auxiliary subunit alpha2delta 1; minus strand). Cytogenetic location: 7q21.11.
Variant type: single nucleotide variant.
Coding change: c.2333C>T on transcript NM_000722.4 (MANE Select); coding-DNA position 2333, C replaced by T.
Protein change: p.Ser778Leu; replaces serine 778 with leucine.
Molecular consequence: missense variant.
Genome position (GRCh38, 1-based): chr7:81,968,949, G>A on the plus strand (C>T on the coding strand, the complement: CACNA2D1 is on the minus strand). VCF-style: chr7-81968949-G-A. GRCh37 (hg19) VCF-style: chr7-81598265-G-A.
Other names: c.2333C>T (LRG_437t1); c.2369C>T, p.Ser790Leu (NM_001366867.1); short protein forms S778L, S790L.
Identifiers: ClinVar variation 264556 (VCV000264556.16), dbSNP rs202108848, ClinGen allele CA4317645.